The following is an entry in ClinVar:

ClinVar aggregate classification (germline): Likely benign. Review status: criteria provided, multiple submitters, no conflicts (2 of 4 stars). 2 submissions from 2 submitters: Likely benign (2). Last evaluated 2025-11-16.

Conditions:
Autosomal recessive limb-girdle muscular dystrophy type 2C (LGMDR5). Also called: MUSCULAR DYSTROPHY, LIMB-GIRDLE, AUTOSOMAL RECESSIVE 5; MUSCULAR DYSTROPHY, DUCHENNE-LIKE. Identifiers: Orphanet 353, MedGen C0410173, MONDO:0009677, OMIM 253700. Disease mechanism: Affects gamma-sarcoglycan and also disrupts the integrity of the entire sarcoglycan complex..

Allele frequency attached by ClinVar (database versions not stated): gnomAD 0.00002 and 0.00003; TOPMed 0.00002; ExAC 0.00010; 1000 Genomes Project 0.00020; 1000 Genomes Project 30x 0.00031.
gnomAD v4.1: 29 of 1,613,298 alleles (0.0018%); highest among the groups gnomAD compares: East Asian, 0.042%; no homozygotes.

Submissions (2):

Labcorp Genetics (formerly Invitae), Labcorp
Classification: Likely benign for Autosomal recessive limb-girdle muscular dystrophy type 2C. Last evaluated: 2025-11-16. Review status: criteria provided, single submitter. Criteria: Invitae Variant Classification Sherloc (09022015). Collection method: clinical testing. Allele origin: germline.

CeGaT Center for Human Genetics Tuebingen
Classification: Likely benign. Last evaluated: 2025-05-01. Review status: criteria provided, single submitter. Criteria: CeGaT Center For Human Genetics Tuebingen Variant Classification Criteria Version 2. Collection method: clinical testing. Allele origin: germline. Affected: yes. Observed: 2 variant alleles.
Comment: SGCG: BP4, BP7

NM_000231.3(SGCG):c.660G>A (p.Ala220=)

Gene: SGCG (sarcoglycan gamma; plus strand). Cytogenetic location: 13q12.12.
Variant type: single nucleotide variant.
Coding change: c.660G>A on transcript NM_000231.3 (MANE Select); coding-DNA position 660, G replaced by A.
Protein change: p.Ala220=; no amino-acid change (alanine 220 retained).
Molecular consequence: synonymous variant.
Genome position (GRCh38, 1-based): chr13:23,320,718, G>A. VCF-style: chr13-23320718-G-A. GRCh37 (hg19) VCF-style: chr13-23894857-G-A.
Other names: c.714G>A, p.Ala238= (NM_001378244.1); c.660G>A, p.Ala220= (NM_001378245.1, NM_001378246.1).
Identifiers: ClinVar variation 705034 (VCV000705034.24), dbSNP rs550268354, ClinGen allele CA6909811.
Genomic context (GRCh38, chr13:23,320,718, plus strand): 5'-TCTAAGCATGGATGCCCCAAGGGGTGTGCATATTCAAGCTCACGCTGGGAAAATTGAGGC[G>A]CTTTCTCAAATGGATATTCTTTTTCATAGTAGTGATGGAATGGTGAGTTCATTCACAGAT-3'
Protein context (NP_000222.2, residues 210-230): HIQAHAGKIE[Ala220=]LSQMDILFHS